The following is an entry in ClinVar:

NM_017612.5(ZCCHC8):c.1439C>A (p.Pro480His)

Gene: ZCCHC8 (zinc finger CCHC-type containing 8; minus strand). Cytogenetic location: 12q24.31.
Variant type: single nucleotide variant.
Coding change: c.1439C>A on transcript NM_017612.5 (MANE Select); coding-DNA position 1439, C replaced by A.
Protein change: p.Pro480His; replaces proline 480 with histidine.
Molecular consequence: missense variant.
Genome position (GRCh38, 1-based): chr12:122,474,182, G>T on the plus strand (C>A on the coding strand, the complement: ZCCHC8 is on the minus strand). VCF-style: chr12-122474182-G-T. GRCh37 (hg19) VCF-style: chr12-122958729-G-T.
Other names: c.1208C>A, p.Pro403His (NM_001350935.2); c.1142C>A, p.Pro381His (NM_001350936.2); c.725C>A, p.Pro242His (NM_001350937.2, NM_001350938.2); short protein forms P381H, P242H, P403H, P480H.
Identifiers: ClinVar variation 3666532 (VCV003666532.2).

ClinVar aggregate classification (germline): Uncertain significance (1 of 4 stars; one submission).

gnomAD v4.1: 1 of 1,515,868 alleles (0.000066%); highest among the groups gnomAD compares: Non-Finnish European, 0.000088%; no homozygotes.

Submission:

Labcorp Genetics (formerly Invitae), Labcorp
Classification: Uncertain significance. Last evaluated: 2024-11-29. Review status: criteria provided, single submitter. Criteria: Invitae Variant Classification Sherloc (09022015). Collection method: clinical testing. Allele origin: germline.
Comment: This sequence change replaces proline, which is neutral and non-polar, with histidine, which is basic and polar, at codon 480 of the ZCCHC8 protein (p.Pro480His). This variant is not present in population databases (gnomAD no frequency). This variant has not been reported in the literature in individuals affected with ZCCHC8-related conditions. Invitae Evidence Modeling of protein sequence and biophysical properties (such as structural, functional, and spatial information, amino acid conservation, physicochemical variation, residue mobility, and thermodynamic stability) indicates that this missense variant is expected to disrupt ZCCHC8 protein function with a positive predictive value of 80%. Algorithms developed to predict the effect of sequence changes on RNA splicing suggest that this variant may create or strengthen a splice site. In summary, the available evidence is currently insufficient to determine the role of this variant in disease. Therefore, it has been classified as a Variant of Uncertain Significance.